The following is an entry in ClinVar:

NM_013275.6(ANKRD11):c.4430G>A (p.Arg1477Gln)

Gene: ANKRD11 (ankyrin repeat domain 11; minus strand). Cytogenetic location: 16q24.3.
Variant type: single nucleotide variant.
Coding change: c.4430G>A on transcript NM_013275.6 (MANE Select); coding-DNA position 4430, G replaced by A.
Protein change: p.Arg1477Gln; replaces arginine 1477 with glutamine.
Molecular consequence: missense variant.
Genome position (GRCh38, 1-based): chr16:89,282,112, C>T on the plus strand (G>A on the coding strand, the complement: ANKRD11 is on the minus strand). VCF-style: chr16-89282112-C-T. GRCh37 (hg19) VCF-style: chr16-89348520-C-T.
Other names: c.4430G>A (NM_013275.4); c.4430G>A, p.Arg1477Gln (NM_001256182.2, NM_001256183.2); short protein forms R1477Q.
Identifiers: ClinVar variation 3632500 (VCV003632500.3).

ClinVar aggregate classification (germline): Conflicting classifications of pathogenicity. Review status: criteria provided, conflicting classifications (1 of 4 stars). 2 submissions from 2 submitters: Uncertain significance (1); Likely benign (1). Last evaluated 2026-08-05.

Conditions:
KBG syndrome (KBGS). Also called: ANKRD11-Related KBG Syndrome. Identifiers: Orphanet 2332, MedGen C0220687, MONDO:0007846, OMIM 148050.
Inborn genetic diseases. Identifiers: MedGen C0950123, MeSH D030342.

gnomAD v4.1: 18 of 1,613,902 alleles (0.0011%); highest among the groups gnomAD compares: African/African-American, 0.0027%; no homozygotes.

Submissions (2):

Ambry Genetics
Classification: Likely benign for Inborn genetic diseases. Last evaluated: 2026-08-05. Review status: criteria provided, single submitter. Criteria: Ambry Variant Classification Scheme 2023. Collection method: clinical testing. Allele origin: germline.

Labcorp Genetics (formerly Invitae), Labcorp
Classification: Uncertain significance for KBG syndrome. Last evaluated: 2024-10-05. Review status: criteria provided, single submitter. Criteria: Invitae Variant Classification Sherloc (09022015). Collection method: clinical testing. Allele origin: germline.
Comment: This sequence change replaces arginine, which is basic and polar, with glutamine, which is neutral and polar, at codon 1477 of the ANKRD11 protein (p.Arg1477Gln). This variant is present in population databases (rs200171620, gnomAD 0.002%). This variant has not been reported in the literature in individuals affected with ANKRD11-related conditions. Invitae Evidence Modeling of protein sequence and biophysical properties (such as structural, functional, and spatial information, amino acid conservation, physicochemical variation, residue mobility, and thermodynamic stability) indicates that this missense variant is not expected to disrupt ANKRD11 protein function with a negative predictive value of 95%. In summary, the available evidence is currently insufficient to determine the role of this variant in disease. Therefore, it has been classified as a Variant of Uncertain Significance.